The following is an entry in ClinVar:

NM_005045.4(RELN):c.8809G>A (p.Ala2937Thr)

Genes: RELN (reelin; minus strand), SLC26A5-AS1 (SLC26A5 antisense RNA 1; plus strand). Cytogenetic location: 7q22.1.
Variant type: single nucleotide variant.
Coding change: c.8809G>A on transcript NM_005045.4 (MANE Select); coding-DNA position 8809, G replaced by A.
Protein change: p.Ala2937Thr; replaces alanine 2937 with threonine.
Molecular consequence: missense variant.
Genome position (GRCh38, 1-based): chr7:103,498,111, C>T on the plus strand (G>A on the coding strand, the complement: RELN is on the minus strand). VCF-style: chr7-103498111-C-T. GRCh37 (hg19) VCF-style: chr7-103138558-C-T.
Other names: c.8809G>A, p.Ala2937Thr (NM_173054.3); short protein forms A2937T.
Identifiers: ClinVar variation 843400 (VCV000843400.10), dbSNP rs750491016, ClinGen allele CA4420383.

ClinVar aggregate classification (germline): Uncertain significance. Review status: criteria provided, multiple submitters, no conflicts (2 of 4 stars). 3 submissions from 3 submitters: Uncertain significance (3). Last evaluated 2024-09-12.

Conditions:
Inborn genetic diseases. Identifiers: MedGen C0950123, MeSH D030342.
Norman-Roberts syndrome (LIS2). Also called: Lissencephaly 2 (Norman-Roberts type). Identifiers: Orphanet 89844, MedGen C0796089, MONDO:0009760, OMIM 257320.
Familial temporal lobe epilepsy 7. Identifiers: Orphanet 101046, MedGen C4225327, MONDO:0014639, OMIM 616436.

Allele frequency attached by ClinVar (database versions not stated): gnomAD exomes below 0.00001; ExAC 0.00001; TOPMed 0.00001.
gnomAD v4.1: 13 of 1,614,042 alleles (0.00081%); highest among the groups gnomAD compares: Non-Finnish European, 0.0011%; no homozygotes.

Submissions (3):

Blueprint Genetics
Classification: Uncertain significance. Last evaluated: 2024-09-12. Review status: criteria provided, single submitter. Criteria: ACMG Guidelines, 2015. Collection method: clinical testing. Allele origin: germline.

Labcorp Genetics (formerly Invitae), Labcorp
Classification: Uncertain significance for Familial temporal lobe epilepsy 7; Norman-Roberts syndrome. Last evaluated: 2023-10-03. Review status: criteria provided, single submitter. Criteria: Invitae Variant Classification Sherloc (09022015). Collection method: clinical testing. Allele origin: germline.
Comment: This sequence change replaces alanine, which is neutral and non-polar, with threonine, which is neutral and polar, at codon 2937 of the RELN protein (p.Ala2937Thr). This variant is not present in population databases (gnomAD no frequency). This variant has not been reported in the literature in individuals affected with RELN-related conditions. ClinVar contains an entry for this variant (Variation ID: 843400). Advanced modeling of protein sequence and biophysical properties (such as structural, functional, and spatial information, amino acid conservation, physicochemical variation, residue mobility, and thermodynamic stability) performed at Invitae indicates that this missense variant is not expected to disrupt RELN protein function. In summary, the available evidence is currently insufficient to determine the role of this variant in disease. Therefore, it has been classified as a Variant of Uncertain Significance.

Ambry Genetics
Classification: Uncertain significance for Inborn genetic diseases. Last evaluated: 2023-01-17. Review status: criteria provided, single submitter. Criteria: Ambry Variant Classification Scheme 2023. Collection method: clinical testing. Allele origin: germline.